The following is an entry in ClinVar:

ClinVar aggregate classification (germline): Uncertain significance (1 of 4 stars; one submission).

Conditions:
Congenital contractural arachnodactyly (CCA). Also called: Beals-Hecht syndrome; BEALS SYNDROME; Arthrogryposis, distal, type 9. Identifiers: Orphanet 115, MedGen C0220668, MONDO:0007363, OMIM 121050.

Submission:

Labcorp Genetics (formerly Invitae), Labcorp
Classification: Uncertain significance for Congenital contractural arachnodactyly. Last evaluated: 2018-08-27. Review status: criteria provided, single submitter. Criteria: Invitae Variant Classification Sherloc (09022015). Collection method: clinical testing. Allele origin: germline.
Comment: This sequence change replaces glycine with valine at codon 605 of the FBN2 protein (p.Gly605Val). The glycine residue is highly conserved and there is a moderate physicochemical difference between glycine and valine. This variant is not present in population databases (ExAC no frequency). This variant has not been reported in the literature in individuals with FBN2-related disease. Algorithms developed to predict the effect of missense changes on protein structure and function are either unavailable or do not agree on the potential impact of this missense change (SIFT: "Deleterious"; PolyPhen-2: "Probably Damaging"; Align-GVGD: "Class C0"). In summary, the available evidence is currently insufficient to determine the role of this variant in disease. Therefore, it has been classified as a Variant of Uncertain Significance.

NM_001999.4(FBN2):c.1814G>T (p.Gly605Val)

Gene: FBN2 (fibrillin 2; minus strand). Cytogenetic location: 5q23.3.
Variant type: single nucleotide variant.
Coding change: c.1814G>T on transcript NM_001999.4 (MANE Select); coding-DNA position 1814, G replaced by T.
Protein change: p.Gly605Val; replaces glycine 605 with valine.
Molecular consequence: missense variant.
Genome position (GRCh38, 1-based): chr5:128,377,787, C>A on the plus strand (G>T on the coding strand, the complement: FBN2 is on the minus strand). VCF-style: chr5-128377787-C-A. GRCh37 (hg19) VCF-style: chr5-127713480-C-A.
Other names: short protein forms G605V.
Identifiers: ClinVar variation 655626 (VCV000655626.9), dbSNP rs1581250994, ClinGen allele CA360742473.